The following is an entry in ClinVar:

NM_000059.4(BRCA2):c.5772dup (p.Gln1925fs)

Gene: BRCA2 (BRCA2 DNA repair associated; plus strand). Cytogenetic location: 13q13.1.
Variant type: Duplication.
Coding change: c.5772dup on transcript NM_000059.4 (MANE Select); coding-DNA position 5772, one base duplicated (T; older notation c.5772dupT).
Protein change: p.Gln1925fs; shifts the reading frame from glutamine 1925.
Molecular consequence: frameshift variant. On other transcripts: non-coding transcript variant (1), intron variant (2).
Genome position (GRCh38, 1-based): chr13:32,340,127, T duplicated; the last of 2 consecutive T bases (chr13:32,340,126-32,340,127); duplicating either gives the same sequence. VCF-style (leftmost placement, unchanged base first): chr13-32340125-A-AT. GRCh37 (hg19) VCF-style: chr13-32914262-A-AT.
Other names: c.5772dup, p.Gln1925fs (NM_001406719.1, NM_001406720.1, NM_001432077.1); c.1910-4431dup (NM_001406721.1); c.425-4431dup (NM_001406722.1); short protein forms Q1925fs.
Identifiers: ClinVar variation 3659197 (VCV003659197.2).

ClinVar aggregate classification (germline): Pathogenic (1 of 4 stars; one submission).

Conditions:
Hereditary breast ovarian cancer syndrome. Also called: Hereditary breast and ovarian cancer syndrome; Hereditary breast and/or ovarian cancer syndrome; Hereditary breast and ovarian cancer; Breast and ovarian cancer; Hereditary breast and ovarian cancer syndrome (HBOC); BRCA1- and BRCA2-Associated Hereditary Breast and Ovarian Cancer. Identifiers: Orphanet 145, MedGen C0677776, MeSH D061325, MONDO:0003582. Disease mechanism: loss of function.

Submission:

Labcorp Genetics (formerly Invitae), Labcorp
Classification: Pathogenic for Hereditary breast ovarian cancer syndrome. Last evaluated: 2024-07-11. Review status: criteria provided, single submitter. Criteria: Invitae Variant Classification Sherloc (09022015). Collection method: clinical testing. Allele origin: germline.
Comment: This sequence change creates a premature translational stop signal (p.Gln1925Serfs*3) in the BRCA2 gene. It is expected to result in an absent or disrupted protein product. Loss-of-function variants in BRCA2 are known to be pathogenic (PMID: 20104584). This variant is not present in population databases (gnomAD no frequency). This variant has not been reported in the literature in individuals affected with BRCA2-related conditions. For these reasons, this variant has been classified as Pathogenic.

Literature cited by the submitters: PubMed 20104584.